The following is an entry in ClinVar:

NM_004999.4(MYO6):c.2561A>G (p.Asn854Ser)

Gene: MYO6 (myosin VI; plus strand). Cytogenetic location: 6q14.1.
Variant type: single nucleotide variant.
Coding change: c.2561A>G on transcript NM_004999.4 (MANE Select); coding-DNA position 2561, A replaced by G.
Protein change: p.Asn854Ser; replaces asparagine 854 with serine.
Molecular consequence: missense variant. On other transcripts: non-coding transcript variant (1).
Genome position (GRCh38, 1-based): chr6:75,886,897, A>G. VCF-style: chr6-75886897-A-G. GRCh37 (hg19) VCF-style: chr6-76596614-A-G.
Other names: c.2561A>G, p.Asn854Ser (NM_001300899.2, NM_001368136.1, NM_001368137.1 and 2 more transcripts); c.2546A>G, p.Asn849Ser (NM_001368138.1); short protein forms N849S, N854S.
Identifiers: ClinVar variation 2380425 (VCV002380425.6), dbSNP rs74807875, ClinGen allele CA3897404.

ClinVar aggregate classification (germline): Uncertain significance. Review status: criteria provided, multiple submitters, no conflicts (2 of 4 stars). 4 submissions from 4 submitters: Uncertain significance (4). Last evaluated 2026-06-09.

Conditions:
MYO6-related disorder. Also called: MYO6-related disorders; MYO6-related condition.
Inborn genetic diseases. Identifiers: MedGen C0950123, MeSH D030342.

Allele frequency attached by ClinVar (database versions not stated): gnomAD exomes 0.00001; ExAC 0.00002; ESP Exome Variant Server 0.00008; gnomAD 0.00009; TOPMed 0.00011; 1000 Genomes Project 0.00040; 1000 Genomes Project 30x 0.00047.
gnomAD v4.1: 24 of 1,613,826 alleles (0.0015%); highest among the groups gnomAD compares: African/African-American, 0.023%; no homozygotes.

Submissions (4):

PreventionGenetics, part of Exact Sciences
Classification: Uncertain significance for MYO6-related condition. Last evaluated: 2026-06-09. Review status: criteria provided, single submitter. Criteria: ACMG Guidelines, 2015. Collection method: clinical testing. Allele origin: germline.
Comment: The MYO6 c.2561A>G variant is predicted to result in the amino acid substitution p.Asn854Ser. To our knowledge, this variant has not been reported in the literature. This variant is reported in 0.024% of alleles in individuals of African descent in gnomAD. At this time, the clinical significance of this variant is uncertain due to the absence of conclusive functional and genetic evidence.

Ambry Genetics
Classification: Uncertain significance for Inborn genetic diseases. Last evaluated: 2025-06-26. Review status: criteria provided, single submitter. Criteria: Ambry Variant Classification Scheme 2023. Collection method: clinical testing. Allele origin: germline.

Labcorp Genetics (formerly Invitae), Labcorp
Classification: Uncertain significance. Last evaluated: 2025-06-20. Review status: criteria provided, single submitter. Criteria: Invitae Variant Classification Sherloc (09022015). Collection method: clinical testing. Allele origin: germline.
Comment: This sequence change replaces asparagine, which is neutral and polar, with serine, which is neutral and polar, at codon 854 of the MYO6 protein (p.Asn854Ser). This variant is present in population databases (rs74807875, gnomAD 0.02%). This variant has not been reported in the literature in individuals affected with MYO6-related conditions. ClinVar contains an entry for this variant (Variation ID: 2380425). Invitae Evidence Modeling of protein sequence and biophysical properties (such as structural, functional, and spatial information, amino acid conservation, physicochemical variation, residue mobility, and thermodynamic stability) indicates that this missense variant is not expected to disrupt MYO6 protein function with a negative predictive value of 80%. In summary, the available evidence is currently insufficient to determine the role of this variant in disease. Therefore, it has been classified as a Variant of Uncertain Significance.

GeneDx
Classification: Uncertain significance. Last evaluated: 2025-04-29. Review status: criteria provided, single submitter. Criteria: GeneDx Variant Classification Process June 2021. Collection method: clinical testing. Allele origin: germline. Affected: yes.
Comment: In silico analysis indicates that this missense variant does not alter protein structure/function; Has not been previously published as pathogenic or benign to our knowledge